The following is an entry in ClinVar:

NM_001365951.3(KIF1B):c.1692G>C (p.Glu564Asp)

Gene: KIF1B (kinesin family member 1B; plus strand). Cytogenetic location: 1p36.22.
Variant type: single nucleotide variant.
Coding change: c.1692G>C on transcript NM_001365951.3 (MANE Select); coding-DNA position 1692, G replaced by C.
Protein change: p.Glu564Asp; replaces glutamic acid 564 with aspartic acid.
Molecular consequence: missense variant.
Genome position (GRCh38, 1-based): chr1:10,295,681, G>C. VCF-style: chr1-10295681-G-C. GRCh37 (hg19) VCF-style: chr1-10355739-G-C.
Other names: c.1692G>C, p.Glu564Asp (NM_001365952.1); c.1554G>C, p.Glu518Asp (NM_001365953.1, NM_015074.3, NM_183416.4); short protein forms E518D, E564D.
Identifiers: ClinVar variation 4043168 (VCV004043168.1).

ClinVar aggregate classification (germline): Uncertain significance (1 of 4 stars; one submission).

Submission:

Ambry Genetics
Classification: Uncertain significance. Last evaluated: 2025-06-10. Review status: criteria provided, single submitter. Criteria: Ambry Variant Classification Scheme 2023. Collection method: clinical testing. Allele origin: germline.
Comment: The p.E518D variant (also known as c.1554G>C), located in coding exon 16 of the KIF1B gene, results from a G to C substitution at nucleotide position 1554. The glutamic acid at codon 518 is replaced by aspartic acid, an amino acid with highly similar properties. This amino acid position is conserved. In addition, this alteration is predicted to be tolerated by in silico analysis. Based on the available evidence, the clinical significance of this variant remains unclear.